The following is an entry in ClinVar:

NM_000016.6(ACADM):c.708G>C (p.Lys236Asn)

Gene: ACADM (acyl-CoA dehydrogenase medium chain; plus strand). Cytogenetic location: 1p31.1.
Variant type: single nucleotide variant.
Coding change: c.708G>C on transcript NM_000016.6 (MANE Select); coding-DNA position 708, G replaced by C.
Protein change: p.Lys236Asn; replaces lysine 236 with asparagine.
Molecular consequence: missense variant.
Genome position (GRCh38, 1-based): chr1:75,745,914, G>C. VCF-style: chr1-75745914-G-C. GRCh37 (hg19) VCF-style: chr1-76211599-G-C.
Other names: c.720G>C, p.Lys240Asn (NM_001127328.3); c.600G>C, p.Lys200Asn (NM_001286042.2); c.807G>C, p.Lys269Asn (NM_001286043.2); c.141G>C, p.Lys47Asn (NM_001286044.2); short protein forms K200N, K236N, K269N, K240N, K47N.
Identifiers: ClinVar variation 943968 (VCV000943968.13), dbSNP rs1185026485, ClinGen allele CA340816325.

ClinVar aggregate classification (germline): Conflicting classifications of pathogenicity. Review status: criteria provided, conflicting classifications (1 of 4 stars). 4 submissions from 4 submitters: Pathogenic (1); Likely pathogenic (2); Uncertain significance (1). Last evaluated 2026-01-09.

Conditions:
Medium-chain acyl-coenzyme A dehydrogenase deficiency (ACADMD). Also called: MCAD Deficiency; CARNITINE DEFICIENCY SECONDARY TO MEDIUM-CHAIN ACYL-CoA DEHYDROGENASE DEFICIENCY; Medium chain acyl-CoA dehydrogenase deficiency; MCADD; MCADH DEFICIENCY; ACADM DEFICIENCY. Identifiers: Orphanet 42, MedGen C0220710, MONDO:0008721, OMIM 201450.

Allele frequency attached by ClinVar (database versions not stated): TOPMed below 0.00001; gnomAD 0.00001.
gnomAD v4.1: 1 of 1,601,948 alleles (0.000062%); highest among the groups gnomAD compares: Non-Finnish European, 0.000086%; no homozygotes.

Submissions (4):

Myriad Genetics, Inc.
Classification: Uncertain significance for Medium-chain acyl-coenzyme A dehydrogenase deficiency. Last evaluated: 2026-01-09. Review status: criteria provided, single submitter. Criteria: Myriad Autosomal Dominant, Autosomal Recessive and X-Linked Classification Criteria (2023). Collection method: clinical testing. Allele origin: unknown.
Comment: NM_000016.4(ACADM):c.708G>C(K236N) is a missense variant classified as a variant of uncertain significance in the context of medium-chain acyl-CoA dehydrogenase deficiency. K236N has been observed in a case with relevant disease (PMID: 33580884). Relevant functional assessments of this variant are not available in the literature. K236N has not been observed in referenced population frequency databases. In summary, there is insufficient evidence to classify NM_000016.4(ACADM):c.708G>C(K236N) as pathogenic or benign. Please note: this variant was assessed in the context of healthy population screening.

Natera, Inc.
Classification: Likely pathogenic for Medium Chain Acyl-CoA Dehydrogenase Deficiency. Last evaluated: 2025-06-03. Review status: criteria provided, single submitter. Criteria: Natera Variant Classification Schema (03/2026). Collection method: clinical testing. Allele origin: germline.
Comment: The c.708G>C variant in ACADM is a missense variant predicted to cause substitution of lysine to asparagine at amino acid 236. This variant is rare in the general population with a frequency below the threshold expected for the associated phenotype(s). This variant has been observed in one or more individuals affected with the associated recessive disease, as either homozygous or compound heterozygous with a second variant (PMID: 20434380, 33580884). This variant has been identified in one or more affected individuals with a phenotype highly consistent with the associated gene (PMID: 20434380, 33580884). Computational prediction algorithms indicate this variant is likely to affect gene or protein function. Given the available evidence, this variant is classified as Likely Pathogenic.

Women's Health and Genetics/Laboratory Corporation of America, LabCorp
Classification: Likely pathogenic for Medium-chain acyl-coenzyme A dehydrogenase deficiency. Last evaluated: 2025-01-06. Review status: criteria provided, single submitter. Criteria: LabCorp Variant Classification Summary - May 2015. Collection method: clinical testing. Allele origin: germline.
Comment: Variant summary: ACADM c.708G>C (p.Lys236Asn) results in a non-conservative amino acid change located in the Acyl-CoA dehydrogenase, middle domain (IPR006091) of the encoded protein sequence. Five of five in-silico tools predict a damaging effect of the variant on protein function. Several computational tools predict a significant impact on normal splicing: Four predict the variant abolishes a 5' splicing donor site. However, these predictions have yet to be confirmed by functional studies. The variant was absent in 250352 control chromosomes. c.708G>C has been reported in the literature in compound heterozygous individuals affected with Medium Chain Acyl-CoA Dehydrogenase Deficiency (Tucci_2021, Labcorp Genetics (formerly Invitae)). Enzyme testing in lymphocytes derived from a compound heterozygous individual has shown only 18% residual activity compared to the wild type control (Tucci_2021). These data indicate that the variant is likely to be associated with disease. To our knowledge, no experimental evidence demonstrating an impact of this variant on protein function has been reported. The following publications have been ascertained in the context of this evaluation (PMID: 20434380, 33580884). ClinVar contains an entry for this variant (Variation ID: 943968). Based on the evidence outlined above, the variant was classified as likely pathogenic.

Labcorp Genetics (formerly Invitae), Labcorp
Classification: Pathogenic for Medium-chain acyl-coenzyme A dehydrogenase deficiency. Last evaluated: 2024-05-22. Review status: criteria provided, single submitter. Criteria: Invitae Variant Classification Sherloc (09022015). Collection method: clinical testing. Allele origin: germline.
Comment: This sequence change replaces lysine, which is basic and polar, with asparagine, which is neutral and polar, at codon 236 of the ACADM protein (p.Lys236Asn). This variant also falls at the last nucleotide of exon 8, which is part of the consensus splice site for this exon. This variant is not present in population databases (gnomAD no frequency). This missense change has been observed in individual(s) with MCAD deficiency (PMID: 20434380, 33580884; Invitae). In at least one individual the data is consistent with being in trans (on the opposite chromosome) from a pathogenic variant. ClinVar contains an entry for this variant (Variation ID: 943968). An algorithm developed to predict the effect of missense changes on protein structure and function (PolyPhen-2) suggests that this variant is likely to be disruptive. Variants that disrupt the consensus splice site are a relatively common cause of aberrant splicing (PMID: 17576681, 9536098). Algorithms developed to predict the effect of sequence changes on RNA splicing suggest that this variant may disrupt the consensus splice site. For these reasons, this variant has been classified as Pathogenic.

Literature cited by the submitters: PubMed 33580884 (cited by 4 submitters); PubMed 20434380 (cited by 3 submitters); PubMed 17576681 (cited by Labcorp Genetics (formerly Invitae), Labcorp); PubMed 9536098 (cited by Labcorp Genetics (formerly Invitae), Labcorp).